The following is an entry in ClinVar:

NM_000054.7(AVPR2):c.738del (p.Arg247fs)

Gene: AVPR2 (arginine vasopressin receptor 2; plus strand). Cytogenetic location: Xq28.
Variant type: Deletion.
Coding change: c.738del on transcript NM_000054.7 (MANE Select); coding-DNA position 738, one base deleted (G; older notation c.738delG).
Protein change: p.Arg247fs; shifts the reading frame from arginine 247.
Molecular consequence: frameshift variant. On other transcripts: non-coding transcript variant (1).
Genome position (GRCh38, 1-based): chrX:153,906,244, G deleted; the last of 6 consecutive G bases (chrX:153,906,239-153,906,244); deleting any one gives the same sequence. VCF-style (leftmost placement, unchanged base first): chrX-153906238-TG-T. GRCh37 (hg19) VCF-style: chrX-153171692-TG-T.
Other names: c.738del, p.Arg247fs (NM_001146151.3); short protein forms R247fs.
Identifiers: ClinVar variation 10835 (VCV000010835.5), dbSNP rs781942628, ClinGen allele CA913187376.

ClinVar aggregate classification (germline): Pathogenic. Review status: criteria provided, multiple submitters, no conflicts (2 of 4 stars). 3 submissions from 3 submitters: Pathogenic (2). 1 of the submissions does not count toward it. Last evaluated 2024-02-22.

Conditions:
Diabetes insipidus, nephrogenic, X-linked. Also called: Nephrogenic Diabetes Insipidus, Type I. Identifiers: Orphanet 223, MedGen C1563705, MONDO:0010581, OMIM 304800.

Submissions (3):

3billion
Classification: Pathogenic for Diabetes insipidus, nephrogenic, X-linked. Last evaluated: 2024-02-22. Review status: criteria provided, single submitter. Criteria: ACMG Guidelines, 2015. Collection method: clinical testing. Allele origin: germline. Affected: yes.
Comment: The variant is not observed in the gnomAD v2.1.1 dataset. Predicted Consequence/Location: Frameshift: predicted to result in a loss or disruption of normal protein function through nonsense-mediated decay (NMD) or protein truncation. Multiple pathogenic variants are reported downstream of the variant. The variant has been reported to be associated with AVPR2 related disorder (ClinVar ID: VCV000010835 /PMID: 1356229). Therefore, this variant is classified as Pathogenic according to the recommendation of ACMG/AMP guideline.

Juno Genomics, Hangzhou Juno Genomics, Inc
Classification: Pathogenic for Diabetes insipidus, nephrogenic, X-linked. Review status: criteria provided, single submitter. Criteria: ACMG Guidelines, 2015. Collection method: clinical testing. Allele origin: germline. Affected: yes.
Comment: Null variant in a gene where loss of function (LOF) is a known mechanism of disease.;Absent from controls (or at extremely low frequency if recessive) in Genome Aggregation Database, Exome Sequencing Project, 1000 Genomes Project, or Exome Aggregation Consortium.;Patient's phenotype or family history is highly specific for a disease with a single genetic etiology.

OMIM
Classification: Pathogenic for DIABETES INSIPIDUS, NEPHROGENIC, 1, X-LINKED. Last evaluated: 1992-09-17. Review status: no assertion criteria provided. Collection method: literature only. Allele origin: germline. Not counted in ClinVar's aggregate classification.

Literature cited by the submitters: PubMed 1356229 (cited by 3billion and OMIM).